The following is an entry in ClinVar:

ClinVar aggregate classification (germline): Pathogenic. Review status: criteria provided, multiple submitters, no conflicts (2 of 4 stars). 3 submissions from 3 submitters: Pathogenic (2). 1 of the submissions does not count toward it. Last evaluated 2019-12-03.

Conditions:
Hereditary cancer-predisposing syndrome. Also called: Hereditary neoplastic syndrome; Tumor predisposition; Neoplastic Syndromes, Hereditary; Hereditary Cancer Syndrome. Identifiers: Orphanet 140162, MedGen C0027672, MeSH D009386, MONDO:0015356.
Cardiovascular phenotype. Identifiers: MedGen CN230736.
Neurofibromatosis, familial spinal (FSNF). Identifiers: Orphanet 636, MedGen C1834235, MONDO:0008078, OMIM 162210. Disease mechanism: loss of function.
Juvenile myelomonocytic leukemia (JMML). Also called: LEUKEMIA, JUVENILE MYELOMONOCYTIC, SOMATIC. Identifiers: Orphanet 86834, MedGen C0349639, MONDO:0011908, OMIM 607785, HP:0012209.
Neurofibromatosis, type 1 (NF1). Also called: Neurofibromatosis, type I; NEUROFIBROMATOSIS, TYPE I, SOMATIC; Peripheral type neurofibromatosis; VON RECKLINGHAUSEN DISEASE. Identifiers: Orphanet 636, MedGen C0027831, MONDO:0018975, OMIM 162200. Disease mechanism: loss of function.
Neurofibromatosis-Noonan syndrome (NFNS). Also called: NEUROFIBROMATOSIS WITH NOONAN PHENOTYPE. Identifiers: Orphanet 638, MedGen C2931482, MONDO:0011035, OMIM 601321. Disease mechanism: loss of function.
Café-au-lait macules with pulmonary stenosis (WTSN). Also called: PULMONIC STENOSIS WITH CAFE-AU-LAIT SPOTS. Identifiers: MedGen C0553586, MONDO:0008672, OMIM 193520.

Submissions (3):

Ambry Genetics
Classification: Pathogenic for Cardiovascular phenotype; Hereditary cancer-predisposing syndrome. Last evaluated: 2019-12-03. Review status: criteria provided, single submitter. Criteria: Ambry Variant Classification Scheme 2023. Collection method: clinical testing. Allele origin: germline.
Comment: The p.E524* pathogenic mutation (also known as c.1570G>T), located in coding exon 14 of the NF1 gene, results from a G to T substitution at nucleotide position 1570. This changes the amino acid from a glutamic acid to a stop codon within coding exon 14. This alteration has been identified in an individual meeting diagnostic criteria for Neurofibromatosis Type 1 and in an individual diagnosed with a pheochromocytoma, gastrointestinal tumor (GIST) and a neuroendocrine tumor (NET) (Messiaen LM et al. Hum. Mutat., 2000;15:541-55; Poredska K et al. Diagn Pathol, 2019 Jul;14:77). In addition to the clinical data presented in the literature, this alteration is expected to result in loss of function by premature protein truncation or nonsense-mediated mRNA decay. As such, this alteration is interpreted as a disease-causing mutation.

Juno Genomics, Hangzhou Juno Genomics, Inc
Classification: Pathogenic for Juvenile myelomonocytic leukemia; Neurofibromatosis, familial spinal; Neurofibromatosis, type 1; Neurofibromatosis-Noonan syndrome; Café-au-lait macules with pulmonary stenosis. Review status: criteria provided, single submitter. Criteria: ACMG Guidelines, 2015. Collection method: clinical testing. Allele origin: germline. Affected: yes.
Comment: Null variant in a gene where loss of function (LOF) is a known mechanism of disease.;Absent from controls (or at extremely low frequency if recessive) in Genome Aggregation Database, Exome Sequencing Project, 1000 Genomes Project, or Exome Aggregation Consortium.;The prevalence of the variant in affected individuals is significantly increased compared to the prevalence in controls.;Patient's phenotype or family history is highly specific for a disease with a single genetic etiology.

Medical Genetics, University of Parma
Classification: Pathogenic for Neurofibromatosis type 1. Last evaluated: 2017-02-02. Review status: no assertion criteria provided. Collection method: clinical testing. Allele origin: germline. Affected: yes. Not counted in ClinVar's aggregate classification.

NM_001042492.3(NF1):c.1570G>T (p.Glu524Ter)

Gene: NF1 (neurofibromin 1; plus strand). Cytogenetic location: 17q11.2.
Variant type: single nucleotide variant.
Coding change: c.1570G>T on transcript NM_001042492.3 (MANE Select); coding-DNA position 1570, G replaced by T.
Protein change: p.Glu524Ter; replaces glutamic acid 524 with a stop codon.
Molecular consequence: nonsense.
Genome position (GRCh38, 1-based): chr17:31,219,047, G>T. VCF-style: chr17-31219047-G-T. GRCh37 (hg19) VCF-style: chr17-29546065-G-T.
Other names: c.1570G>T, p.Glu524Ter (NM_000267.4, NM_001128147.3); short protein forms E524*.
Identifiers: ClinVar variation 431591 (VCV000431591.7), dbSNP rs1135402815, ClinGen allele CA399001902.